The following is an entry in ClinVar:

ClinVar aggregate classification (germline): Uncertain significance. Review status: criteria provided, multiple submitters, no conflicts (2 of 4 stars). 2 submissions from 2 submitters: Uncertain significance (2). Last evaluated 2024-10-16.

Conditions:
Inborn genetic diseases. Identifiers: MedGen C0950123, MeSH D030342.

gnomAD v4.1: 93 of 1,614,086 alleles (0.0058%); highest among the groups gnomAD compares: Non-Finnish European, 0.0077%; no homozygotes.

Submissions (2):

Ambry Genetics
Classification: Uncertain significance for Inborn genetic diseases. Last evaluated: 2024-10-16. Review status: criteria provided, single submitter. Criteria: Ambry Variant Classification Scheme 2023. Collection method: clinical testing. Allele origin: germline.

Labcorp Genetics (formerly Invitae), Labcorp
Classification: Uncertain significance. Last evaluated: 2024-06-03. Review status: criteria provided, single submitter. Criteria: Invitae Variant Classification Sherloc (09022015). Collection method: clinical testing. Allele origin: germline.
Comment: This sequence change replaces asparagine, which is neutral and polar, with lysine, which is basic and polar, at codon 131 of the TRPV6 protein (p.Asn131Lys). This variant is present in population databases (rs771094322, gnomAD 0.004%). This variant has not been reported in the literature in individuals affected with TRPV6-related conditions. Experimental studies and prediction algorithms are not available or were not evaluated, and the functional significance of this variant is currently unknown. In summary, the available evidence is currently insufficient to determine the role of this variant in disease. Therefore, it has been classified as a Variant of Uncertain Significance.

NM_018646.6(TRPV6):c.393C>G (p.Asn131Lys)

Gene: TRPV6 (transient receptor potential cation channel subfamily V member 6; minus strand). Cytogenetic location: 7q34.
Variant type: single nucleotide variant.
Coding change: c.393C>G on transcript NM_018646.6 (MANE Select); coding-DNA position 393, C replaced by G.
Protein change: p.Asn131Lys; replaces asparagine 131 with lysine.
Molecular consequence: missense variant.
Genome position (GRCh38, 1-based): chr7:142,877,727, G>C on the plus strand (C>G on the coding strand, the complement: TRPV6 is on the minus strand). VCF-style: chr7-142877727-G-C. GRCh37 (hg19) VCF-style: chr7-142575480-G-C.
Other names: short protein forms N131K.
Identifiers: ClinVar variation 3462368 (VCV003462368.3).